The following is an entry in ClinVar:

ClinVar aggregate classification (germline): Uncertain significance. Review status: criteria provided, multiple submitters, no conflicts (2 of 4 stars). 3 submissions from 3 submitters: Uncertain significance (3). Last evaluated 2023-09-19.

Conditions:
Hereditary cancer-predisposing syndrome. Also called: Hereditary Cancer Syndrome; Tumor predisposition; Neoplastic Syndromes, Hereditary; Hereditary neoplastic syndrome. Identifiers: Orphanet 140162, MedGen C0027672, MeSH D009386, MONDO:0015356.
Ataxia-telangiectasia syndrome (AT). Also called: ATAXIA-TELANGIECTASIA, COMPLEMENTATION GROUP A; ATAXIA-TELANGIECTASIA, FRESNO VARIANT; Ataxia-telangiectasia; Ataxia-telangiectasia, complementation group E; Cerebello-oculocutaneous telangiectasia; Immunodeficiency with ataxia telangiectasia. Identifiers: Orphanet 100, MedGen C0004135, MONDO:0008840, OMIM 208900.

Submissions (3):

Ambry Genetics
Classification: Uncertain significance for Hereditary cancer-predisposing syndrome. Last evaluated: 2023-09-19. Review status: criteria provided, single submitter. Criteria: Ambry Variant Classification Scheme 2023. Collection method: clinical testing. Allele origin: germline.
Comment: The p.T2359I variant (also known as c.7076C>T), located in coding exon 47 of the ATM gene, results from a C to T substitution at nucleotide position 7076. The threonine at codon 2359 is replaced by isoleucine, an amino acid with similar properties. This amino acid position is not well conserved in available vertebrate species. In addition, this alteration is predicted to be tolerated by in silico analysis. Since supporting evidence is limited at this time, the clinical significance of this alteration remains unclear.

Labcorp Genetics (formerly Invitae), Labcorp
Classification: Uncertain significance for Ataxia-telangiectasia syndrome. Last evaluated: 2022-05-03. Review status: criteria provided, single submitter. Criteria: Invitae Variant Classification Sherloc (09022015). Collection method: clinical testing. Allele origin: germline.
Comment: In summary, the available evidence is currently insufficient to determine the role of this variant in disease. Therefore, it has been classified as a Variant of Uncertain Significance. Advanced modeling of protein sequence and biophysical properties (such as structural, functional, and spatial information, amino acid conservation, physicochemical variation, residue mobility, and thermodynamic stability) performed at Invitae indicates that this missense variant is not expected to disrupt ATM protein function. ClinVar contains an entry for this variant (Variation ID: 181886). This variant has not been reported in the literature in individuals affected with ATM-related conditions. This variant is not present in population databases (gnomAD no frequency). This sequence change replaces threonine, which is neutral and polar, with isoleucine, which is neutral and non-polar, at codon 2359 of the ATM protein (p.Thr2359Ile).

GeneDx
Classification: Uncertain significance. Last evaluated: 2014-09-22. Review status: criteria provided, single submitter. Criteria: GeneDx Variant Classification (06012015). Collection method: clinical testing. Allele origin: germline. Affected: yes.
Comment: This variant is denoted ATM c.7076C>T at the cDNA level, p.Thr2359Ile (T2359I) at the protein level, and results in the change of a Threonine to an Isoleucine (ACC>ATC). This variant has not, to our knowledge, been published in the literature as pathogenic or benign. ATM Thr2359Ile was not observed in approximately 6,500 individuals of European and African American ancestry in the NHLBI Exome Sequencing Project, indicating it is not a common benign variant in these populations. Since Threonine and Isoleucine differ in polarity, charge, size or other properties, this is considered a non-conservative amino acid substitution. ATM Thr2359Ile occurs at a position that is conserved among mammals and is located in the FAT domain (Tavtigian 2009). In silico analyses predict that this variant is probably damaging to protein structure and function. Based on currently available information, it is unclear whether ATM Thr2359Ile is pathogenic or benign. We consider it to be a variant of uncertain significance.

NM_000051.4(ATM):c.7076C>T (p.Thr2359Ile)

Genes: ATM (ATM serine/threonine kinase; plus strand), C11orf65 (chromosome 11 open reading frame 65; minus strand). Cytogenetic location: 11q22.3.
Variant type: single nucleotide variant.
Coding change: c.7076C>T on transcript NM_000051.4 (MANE Select); coding-DNA position 7076, C replaced by T.
Protein change: p.Thr2359Ile; replaces threonine 2359 with isoleucine.
Molecular consequence: missense variant. On other transcripts: intron variant (2).
Genome position (GRCh38, 1-based): chr11:108,327,745, C>T. VCF-style: chr11-108327745-C-T. GRCh37 (hg19) VCF-style: chr11-108198472-C-T.
Other names: p.T2359I:ACC>ATC; c.7076C>T, p.Thr2359Ile (NM_001351834.2); c.641-18674G>A (NM_001330368.2); c.*38+7475G>A (NM_001351110.2); short protein forms T2359I.
Identifiers: ClinVar variation 181886 (VCV000181886.9), dbSNP rs730881314, ClinGen allele CA298043.